The following is an entry in ClinVar:

ClinVar aggregate classification (germline): Likely benign (1 of 4 stars; one submission).

Allele frequency attached by ClinVar (database versions not stated): ESP Exome Variant Server 0.00015; 1000 Genomes Project 30x 0.00125; 1000 Genomes Project 0.00140.
gnomAD v4.1: 696 of 1,610,854 alleles (0.043%); highest among the groups gnomAD compares: South Asian, 0.44%; 2 homozygotes.

Submission:

CeGaT Center for Human Genetics Tuebingen
Classification: Likely benign. Last evaluated: 2022-07-01. Review status: criteria provided, single submitter. Criteria: CeGaT Center For Human Genetics Tuebingen Variant Classification Criteria Version 2. Collection method: clinical testing. Allele origin: germline. Affected: yes. Observed: 1 variant allele.
Comment: PLB1: BP4, BS2

NM_153021.5(PLB1):c.1708G>A (p.Val570Ile)

Gene: PLB1 (phospholipase B1; plus strand). Cytogenetic location: 2p23.2.
Variant type: single nucleotide variant.
Coding change: c.1708G>A on transcript NM_153021.5 (MANE Select); coding-DNA position 1708, G replaced by A.
Protein change: p.Val570Ile; replaces valine 570 with isoleucine.
Molecular consequence: missense variant. On other transcripts: non-coding transcript variant (1).
Genome position (GRCh38, 1-based): chr2:28,582,480, G>A. VCF-style: chr2-28582480-G-A. GRCh37 (hg19) VCF-style: chr2-28805347-G-A.
Other names: c.1675G>A, p.Val559Ile (NM_001170585.2); short protein forms V559I, V570I.
Identifiers: ClinVar variation 2650778 (VCV002650778.24), dbSNP rs377534411, ClinGen allele CA1587618.